The following is an entry in ClinVar:

NM_001267550.2(TTN):c.55270-1G>A

Genes: TTN-AS1 (TTN antisense RNA 1; plus strand), TTN (titin; minus strand). Cytogenetic location: 2q31.2.
Variant type: single nucleotide variant.
Coding change: c.55270-1G>A on transcript NM_001267550.2 (MANE Select); the canonical splice acceptor site of the intron before coding-DNA position 55270, G replaced by A.
Molecular consequence: splice acceptor variant.
Genome position (GRCh38, 1-based): chr2:178,601,915, C>T on the plus strand (G>A on the coding strand, the complement: TTN is on the minus strand). VCF-style: chr2-178601915-C-T. GRCh37 (hg19) VCF-style: chr2-179466642-C-T.
Other names: c.28075-1G>A (NM_003319.4); c.28651-1G>A (NM_133437.4); c.28450-1G>A (NM_133432.3); c.47566-1G>A (NM_133378.4); c.50347-1G>A (NM_001256850.1).
Identifiers: ClinVar variation 4785385 (VCV004785385.1).

ClinVar aggregate classification (germline): Likely pathogenic (1 of 4 stars; one submission).

Conditions:
Autosomal recessive limb-girdle muscular dystrophy type 2J (LGMDR10). Also called: Limb-girdle muscular dystrophy, type 2J; MUSCULAR DYSTROPHY, LIMB-GIRDLE, AUTOSOMAL RECESSIVE 10. Identifiers: Orphanet 140922, MedGen C1837342, MONDO:0012127, OMIM 608807.
Dilated cardiomyopathy 1G (CMD1G). Identifiers: Orphanet 154, MedGen C1858763, MONDO:0011400, OMIM 604145.

Submission:

Labcorp Genetics (formerly Invitae), Labcorp
Classification: Likely pathogenic for Dilated cardiomyopathy 1G; Autosomal recessive limb-girdle muscular dystrophy type 2J. Last evaluated: 2025-06-24. Review status: criteria provided, single submitter. Criteria: Invitae Variant Classification Sherloc (09022015). Collection method: clinical testing. Allele origin: germline.
Comment: This sequence change affects an acceptor splice site in intron 284 of the TTN gene. It is expected to disrupt RNA splicing and likely results in a truncated or disrupted TTN protein. This variant is not present in population databases (gnomAD no frequency). This variant has not been reported in the literature in individuals affected with TTN-related conditions. Algorithms developed to predict the effect of sequence changes on RNA splicing suggest that this variant may disrupt the consensus splice site. This variant is located in the A band of TTN (PMID: 25589632). Truncating variants in this region are significantly overrepresented in patients affected with dilated cardiomyopathy (PMID: 25589632). Truncating variants in this region have also been reported in individuals affected with autosomal recessive centronuclear myopathy (PMID: 23975875). In summary, the currently available evidence indicates that the variant is pathogenic, but additional data are needed to prove that conclusively. Therefore, this variant has been classified as Likely Pathogenic.

Literature cited by the submitters: PubMed 25589632; PubMed 23975875.